The following is an entry in ClinVar:

ClinVar aggregate classification (germline): Benign/Likely benign. Review status: criteria provided, multiple submitters, no conflicts (2 of 4 stars). 7 submissions from 7 submitters: Benign (4); Likely benign (3). Last evaluated 2026-01-25.

Conditions:
Microcephalic osteodysplastic primordial dwarfism type II (MOPD2). Also called: OSTEODYSPLASTIC PRIMORDIAL DWARFISM, TYPE II; Microcephalic osteodysplastic primordial dwarfism with tooth abnormalities; MOPD II. Identifiers: Orphanet 2637, MedGen C0432246, MONDO:0008872, OMIM 210720.

Allele frequency attached by ClinVar (database versions not stated): 1000 Genomes Project 0.00240; 1000 Genomes Project 30x 0.00281; TOPMed 0.00326; ESP Exome Variant Server 0.00331; gnomAD 0.00331.
gnomAD v4.1: 885 of 1,613,570 alleles (0.055%); highest among the groups gnomAD compares: African/African-American, 0.99%; 5 homozygotes.

Submissions (7):

Labcorp Genetics (formerly Invitae), Labcorp
Classification: Benign. Last evaluated: 2026-01-25. Review status: criteria provided, single submitter. Criteria: Invitae Variant Classification Sherloc (09022015). Collection method: clinical testing. Allele origin: germline.

Blueprint Genetics
Classification: Likely benign. Last evaluated: 2024-08-06. Review status: criteria provided, single submitter. Criteria: ACMG Guidelines, 2015. Collection method: clinical testing. Allele origin: germline.

CeGaT Center for Human Genetics Tuebingen
Classification: Benign. Last evaluated: 2023-01-01. Review status: criteria provided, single submitter. Criteria: CeGaT Center For Human Genetics Tuebingen Variant Classification Criteria Version 2. Collection method: clinical testing. Allele origin: germline. Affected: yes. Observed: 1 variant allele.
Comment: PCNT: BP4, BP7, BS1, BS2

GeneDx
Classification: Likely benign. Last evaluated: 2021-04-09. Review status: criteria provided, single submitter. Criteria: GeneDx Variant Classification Process June 2021. Collection method: clinical testing. Allele origin: germline. Affected: yes.

Genetic Services Laboratory, University of Chicago
Classification: Benign. Last evaluated: 2019-03-13. Review status: criteria provided, single submitter. Criteria: ACMG Guidelines, 2015. Collection method: clinical testing. Allele origin: germline. Affected: no.

Illumina Laboratory Services, Illumina
Classification: Benign for Microcephalic osteodysplastic primordial dwarfism type II. Last evaluated: 2018-01-12. Review status: criteria provided, single submitter. Criteria: ICSL Variant Classification Criteria 13 December 2019. Collection method: clinical testing. Allele origin: germline.
Comment: This variant was observed in the ICSL laboratory as part of a predisposition screen in an ostensibly healthy population. It had not been previously curated by ICSL or reported in the Human Gene Mutation Database (HGMD: prior to June 1st, 2018), and was therefore a candidate for classification through an automated scoring system. Utilizing variant allele frequency, disease prevalence and penetrance estimates, and inheritance mode, an automated score was calculated to assess if this variant is too frequent to cause the disease. Based on the score and internal cut-off values, a variant classified as benign is not then subjected to further curation. The score for this variant resulted in a classification of benign for this disease.

Breakthrough Genomics
Classification: Likely benign. Review status: criteria provided, single submitter. Criteria: ACMG Guidelines, 2015. Collection method: not provided. Allele origin: germline. Inheritance: Autosomal recessive inheritance. Affected: yes.

NM_006031.6(PCNT):c.9720G>A (p.Pro3240=)

Gene: PCNT (pericentrin; plus strand). Cytogenetic location: 21q22.3.
Variant type: single nucleotide variant.
Coding change: c.9720G>A on transcript NM_006031.6 (MANE Select); coding-DNA position 9720, G replaced by A.
Protein change: p.Pro3240=; no amino-acid change (proline 3240 retained).
Molecular consequence: synonymous variant.
Genome position (GRCh38, 1-based): chr21:46,443,829, G>A. VCF-style: chr21-46443829-G-A. GRCh37 (hg19) VCF-style: chr21-47863742-G-A.
Other names: c.9129G>A, p.Pro3043= (NM_001315529.2).
Identifiers: ClinVar variation 340546 (VCV000340546.42), dbSNP rs141991283, ClinGen allele CA10081451.